The following is an entry in ClinVar:

NM_000059.4(BRCA2):c.791A>G (p.His264Arg)

Gene: BRCA2 (BRCA2 DNA repair associated; plus strand). Cytogenetic location: 13q13.1.
Variant type: single nucleotide variant.
Coding change: c.791A>G on transcript NM_000059.4 (MANE Select); coding-DNA position 791, A replaced by G.
Protein change: p.His264Arg; replaces histidine 264 with arginine.
Molecular consequence: missense variant.
Genome position (GRCh38, 1-based): chr13:32,331,028, A>G. VCF-style: chr13-32331028-A-G. GRCh37 (hg19) VCF-style: chr13-32905165-A-G.
Other names: short protein forms H264R.
Identifiers: ClinVar variation 827331 (VCV000827331.13), dbSNP rs1593890409, ClinGen allele CA387760260.
Genomic context (GRCh38, chr13:32,331,028, plus strand): 5'-ATAGATTTATCGCTTCTGTGACAGACAGTGAAAACACAAATCAAAGAGAAGCTGCAAGTC[A>G]TGGTAAGTCCTCTGTTTAGTTGAACTACAGGTTTTTTTGTTGTTGTTGTTTTGATTTTTT-3'
Protein context (NP_000050.3, residues 254-274): ENTNQREAAS[His264Arg]GFGKTSGNSF

ClinVar aggregate classification (germline): Uncertain significance. Review status: criteria provided, multiple submitters, no conflicts (2 of 4 stars). 2 submissions from 2 submitters: Uncertain significance (2). Last evaluated 2024-08-14.

Conditions:
Hereditary breast ovarian cancer syndrome. Also called: Hereditary breast and ovarian cancer syndrome; Hereditary breast and ovarian cancer; Hereditary breast and ovarian cancer syndrome (HBOC); Breast and ovarian cancer; Hereditary breast and/or ovarian cancer syndrome; BRCA1- and BRCA2-Associated Hereditary Breast and Ovarian Cancer. Identifiers: Orphanet 145, MedGen C0677776, MeSH D061325, MONDO:0003582. Disease mechanism: loss of function.
Hereditary cancer-predisposing syndrome. Also called: Neoplastic Syndromes, Hereditary; Tumor predisposition; Hereditary neoplastic syndrome; Hereditary Cancer Syndrome. Identifiers: Orphanet 140162, MedGen C0027672, MeSH D009386, MONDO:0015356.

Submissions (2):

Labcorp Genetics (formerly Invitae), Labcorp
Classification: Uncertain significance for Hereditary breast ovarian cancer syndrome. Last evaluated: 2024-08-14. Review status: criteria provided, single submitter. Criteria: Invitae Variant Classification Sherloc (09022015). Collection method: clinical testing. Allele origin: germline.
Comment: This sequence change replaces histidine, which is basic and polar, with arginine, which is basic and polar, at codon 264 of the BRCA2 protein (p.His264Arg). This variant is not present in population databases (gnomAD no frequency). This variant has not been reported in the literature in individuals affected with BRCA2-related conditions. ClinVar contains an entry for this variant (Variation ID: 827331). An algorithm developed to predict the effect of missense changes on protein structure and function (PolyPhen-2) suggests that this variant is likely to be tolerated. In summary, the available evidence is currently insufficient to determine the role of this variant in disease. Therefore, it has been classified as a Variant of Uncertain Significance.

Ambry Genetics
Classification: Uncertain significance for Hereditary cancer-predisposing syndrome. Last evaluated: 2019-04-10. Review status: criteria provided, single submitter. Criteria: Ambry Variant Classification Scheme 2023. Collection method: clinical testing. Allele origin: germline.
Comment: The p.H264R variant (also known as c.791A>G), located in coding exon 8 of the BRCA2 gene, results from an A to G substitution at nucleotide position 791. The histidine at codon 264 is replaced by arginine, an amino acid with highly similar properties. This amino acid position is poorly conserved in available vertebrate species. In addition, this alteration is predicted to be tolerated by in silico analysis. Since supporting evidence is limited at this time, the clinical significance of this alteration remains unclear.